The following is an entry in ClinVar:

ClinVar aggregate classification (germline): Uncertain significance. Review status: criteria provided, multiple submitters, no conflicts (2 of 4 stars). 2 submissions from 2 submitters: Uncertain significance (2). Last evaluated 2023-12-07.

Conditions:
Epilepsy, X-linked 1, with variable learning disabilities and behavior disorders. Also called: X-linked epilepsy-learning disabilities-behavior disorders syndrome. Identifiers: Orphanet 85294, MedGen C5774177, MONDO:0010339, OMIM 300491.

Allele frequency attached by ClinVar (database versions not stated): gnomAD exomes 0.00001 and 0.00002; ExAC 0.00002; gnomAD 0.00002; TOPMed 0.00003.
gnomAD v4.1: 8 of 1,208,517 alleles (0.00066%); highest among the groups gnomAD compares: African/African-American, 0.0018%; no homozygotes.

Submissions (2):

Labcorp Genetics (formerly Invitae), Labcorp
Classification: Uncertain significance for Epilepsy, X-linked 1, with variable learning disabilities and behavior disorders. Last evaluated: 2023-12-07. Review status: criteria provided, single submitter. Criteria: Invitae Variant Classification Sherloc (09022015). Collection method: clinical testing. Allele origin: germline.
Comment: This sequence change replaces glutamic acid, which is acidic and polar, with lysine, which is basic and polar, at codon 147 of the SYN1 protein (p.Glu147Lys). The frequency data for this variant in the population databases is considered unreliable, as metrics indicate poor data quality at this position in the gnomAD database. This variant has not been reported in the literature in individuals affected with SYN1-related conditions. ClinVar contains an entry for this variant (Variation ID: 207480). An algorithm developed to predict the effect of missense changes on protein structure and function (PolyPhen-2) suggests that this variant is likely to be disruptive. In summary, the available evidence is currently insufficient to determine the role of this variant in disease. Therefore, it has been classified as a Variant of Uncertain Significance.

GeneDx
Classification: Uncertain significance. Last evaluated: 2017-06-12. Review status: criteria provided, single submitter. Criteria: GeneDx Variant Classification (06012015). Collection method: clinical testing. Allele origin: germline. Affected: yes.
Comment: The Glu147Lys missense change in the SYN1 gene is a variant of unknown significance. It has not been published as a pathogenic variant, nor has it been reported as a benign polymorphism to our knowledge. The NHLBI ESP Exome Variant Project did not identify Glu147Lys in approximately 5000 individuals of European or African American ethnicity, indicating that it is not a common benign variant in these populations. The amino acid substitution is non-conservative, as a negatively charged Glutamic acid residue is replaced by a positively charged Lysine residue, and it alters a highly conserved position in the SYN1 gene. Multiple in silico models predict that Glu147Lys is likely pathogenic. Therefore, based on the currently available information, it is unclear whether this variant is a pathogenic variant or a rare benign variant.

NM_006950.3(SYN1):c.439G>A (p.Glu147Lys)

Gene: SYN1 (synapsin I; minus strand). Cytogenetic location: Xp11.23.
Variant type: single nucleotide variant.
Coding change: c.439G>A on transcript NM_006950.3 (MANE Select); coding-DNA position 439, G replaced by A.
Protein change: p.Glu147Lys; replaces glutamic acid 147 with lysine.
Molecular consequence: missense variant.
Genome position (GRCh38, 1-based): chrX:47,607,033, C>T on the plus strand (G>A on the coding strand, the complement: SYN1 is on the minus strand). VCF-style: chrX-47607033-C-T. GRCh37 (hg19) VCF-style: chrX-47466432-C-T.
Other names: p.E147K:GAA>AAA; c.439G>A, p.Glu147Lys (NM_133499.2); short protein forms E147K.
Identifiers: ClinVar variation 207480 (VCV000207480.5), dbSNP rs201659924, ClinGen allele CA318979.